The following is an entry in ClinVar:

ClinVar aggregate classification (germline): Pathogenic (1 of 4 stars; one submission).

Conditions:
Hereditary cancer-predisposing syndrome. Also called: Neoplastic Syndromes, Hereditary; Tumor predisposition; Hereditary Cancer Syndrome; Hereditary neoplastic syndrome. Identifiers: Orphanet 140162, MedGen C0027672, MeSH D009386, MONDO:0015356.

Submission:

Color Diagnostics, LLC DBA Color Health
Classification: Pathogenic for Hereditary cancer-predisposing syndrome. Last evaluated: 2024-04-29. Review status: criteria provided, single submitter. Criteria: ACMG Guidelines, 2015. Collection method: clinical testing. Allele origin: germline.
Comment: This variant deletes 7 nucleotides in exon 10 of the BRCA1 gene, creating a frameshift and premature translation stop signal. This variant is expected to result in an absent or non-functional protein product. To our knowledge, this variant has not been reported in individuals affected with BRCA1-related disorders in the literature. This variant has not been identified in the general population by the Genome Aggregation Database (gnomAD). Loss of BRCA1 function is a known mechanism of disease. Based on the available evidence, this variant is classified as Pathogenic.

NM_007294.4(BRCA1):c.2294_2300del (p.Glu765fs)

Gene: BRCA1 (BRCA1 DNA repair associated; minus strand). Cytogenetic location: 17q21.31.
Variant type: Deletion.
Coding change: c.2294_2300del on transcript NM_007294.4 (MANE Select); coding-DNA positions 2294 to 2300, 7 bases deleted (AGAGTAG; older notation c.2294_2300delAGAGTAG).
Protein change: p.Glu765fs; shifts the reading frame from glutamic acid 765.
Molecular consequence: frameshift variant. On other transcripts: intron variant (137).
Genome position (GRCh38, 1-based): chr17:43,093,231-43,093,237, CTACTCT deleted on the plus strand (AGAGTAG on the coding strand, the reverse complement: BRCA1 is on the minus strand); deleting any 7 consecutive bases within chr17:43,093,231-43,093,241 gives the same sequence; the c. name uses the placement nearest the transcript's 3' end. VCF-style (leftmost placement, unchanged base first): chr17-43093230-GCTACTCT-G. GRCh37 (hg19) VCF-style: chr17-41245247-GCTACTCT-G.
Other names: c.664+1507_664+1513del (NM_001408443.1, NM_001408425.1, NM_001408439.1 and 12 more transcripts); c.784+1507_784+1513del (NM_001408473.1, NM_001408399.1, NM_001408402.1 and 13 more transcripts); c.2216_2222del, p.Glu739fs (NM_001407655.1, NM_001407656.1, NM_001407653.1 and 4 more transcripts); c.2294_2300del, p.Glu765fs (NM_001407652.1, NM_001407581.1, NM_001407582.1 and 30 more transcripts); c.2168_2174del, p.Glu723fs (NM_001407649.1, NM_001407670.1, NM_001407671.1 and 11 more transcripts); c.2171_2177del, p.Glu724fs (NM_001407648.1, NM_001407664.1, NM_001407665.1 and 19 more transcripts); c.2081_2087del, p.Glu694fs (NM_001407571.1, NM_001407853.1, NM_001407894.1 and 9 more transcripts); c.2291_2297del, p.Glu764fs (NM_001407587.1, NM_001407590.1, NM_001407591.1 and 22 more transcripts); and 41 more; short protein forms E469fs, E597fs, E637fs, E638fs, E653fs, E654fs, E676fs, E677fs.
Identifiers: ClinVar variation 3893732 (VCV003893732.1).
Genomic context (GRCh38, chr17:43,093,230, plus strand): 5'-TTCCAGTAACGAGATACTTTCCTGAGTGCCATAATCAGTACCAGGTACCAATGAAATACT[GCTACTCT>G]CTACAGATCTTTCAGTTTGCAAAACCCTTTCTCCACTTAACATGAGATCTTTGGGGTCTT-3'